The following is an entry in ClinVar:

ClinVar aggregate classification (germline): Likely benign (1 of 4 stars; one submission).

gnomAD v4.1: 61 of 1,472,752 alleles (0.0041%); highest among the groups gnomAD compares: South Asian, 0.025%; no homozygotes.

Submission:

CeGaT Center for Human Genetics Tuebingen
Classification: Likely benign. Last evaluated: 2024-09-01. Review status: criteria provided, single submitter. Criteria: CeGaT Center For Human Genetics Tuebingen Variant Classification Criteria Version 2. Collection method: clinical testing. Allele origin: germline. Affected: yes. Observed: 1 variant allele.
Comment: AFF3: BP4, BS2

NM_001386135.1(AFF3):c.1255A>G (p.Ser419Gly)

Gene: AFF3 (ALF transcription elongation factor 3; minus strand). Cytogenetic location: 2q11.2.
Variant type: single nucleotide variant.
Coding change: c.1255A>G on transcript NM_001386135.1 (MANE Select); coding-DNA position 1255, A replaced by G.
Protein change: p.Ser419Gly; replaces serine 419 with glycine.
Molecular consequence: missense variant.
Genome position (GRCh38, 1-based): chr2:99,601,551, T>C on the plus strand (A>G on the coding strand, the complement: AFF3 is on the minus strand). VCF-style: chr2-99601551-T-C. GRCh37 (hg19) VCF-style: chr2-100218013-T-C.
Other names: c.1330A>G, p.Ser444Gly (NM_001025108.2); c.1255A>G, p.Ser419Gly (NM_002285.3); short protein forms S419G, S444G.
Identifiers: ClinVar variation 3388371 (VCV003388371.14).